The following is an entry in ClinVar:

NM_001199397.3(NEK1):c.2310A>C (p.Glu770Asp)

Gene: NEK1 (NIMA related kinase 1; minus strand). Cytogenetic location: 4q33.
Variant type: single nucleotide variant.
Coding change: c.2310A>C on transcript NM_001199397.3 (MANE Select); coding-DNA position 2310, A replaced by C.
Protein change: p.Glu770Asp; replaces glutamic acid 770 with aspartic acid.
Molecular consequence: missense variant. On other transcripts: non-coding transcript variant (1).
Genome position (GRCh38, 1-based): chr4:169,477,248, T>G on the plus strand (A>C on the coding strand, the complement: NEK1 is on the minus strand). VCF-style: chr4-169477248-T-G. GRCh37 (hg19) VCF-style: chr4-170398399-T-G.
Other names: c.2178A>C, p.Glu726Asp (NM_001199398.3); c.2019A>C, p.Glu673Asp (NM_001199399.3); c.2094A>C, p.Glu698Asp (NM_001199400.3); c.2310A>C, p.Glu770Asp (NM_001374418.1); c.2226A>C, p.Glu742Asp (NM_001374419.1, NM_012224.4); c.2175A>C, p.Glu725Asp (NM_001374420.1); c.2004A>C, p.Glu668Asp (NM_001374421.1); short protein forms E725D, E698D, E742D, E668D, E770D, E673D, E726D.
Identifiers: ClinVar variation 2063219 (VCV002063219.4), dbSNP rs1747128507, ClinGen allele CA358732862.

ClinVar aggregate classification (germline): Uncertain significance (1 of 4 stars; one submission).

Conditions:
Short-rib thoracic dysplasia 6 with or without polydactyly (SRTD6). Also called: POLYDACTYLY WITH NEONATAL CHONDRODYSTROPHY, TYPE II; Majewski Syndrome; SHORT RIB-POLYDACTYLY SYNDROME, TYPE IIA; SHORT-RIB THORACIC DYSPLASIA 6 WITH POLYDACTYLY; SHORT-RIB THORACIC DYSPLASIA 6 WITHOUT POLYDACTYLY. Identifiers: MedGen C0024507, MONDO:0009894, OMIM 263520.

Submission:

Labcorp Genetics (formerly Invitae), Labcorp
Classification: Uncertain significance for Short-rib thoracic dysplasia 6 with or without polydactyly. Last evaluated: 2022-05-12. Review status: criteria provided, single submitter. Criteria: Invitae Variant Classification Sherloc (09022015). Collection method: clinical testing. Allele origin: germline.
Comment: Advanced modeling of protein sequence and biophysical properties (such as structural, functional, and spatial information, amino acid conservation, physicochemical variation, residue mobility, and thermodynamic stability) performed at Invitae indicates that this missense variant is not expected to disrupt NEK1 protein function. This variant has not been reported in the literature in individuals affected with NEK1-related conditions. This variant is not present in population databases (gnomAD no frequency). This sequence change replaces glutamic acid, which is acidic and polar, with aspartic acid, which is acidic and polar, at codon 742 of the NEK1 protein (p.Glu742Asp). In summary, the available evidence is currently insufficient to determine the role of this variant in disease. Therefore, it has been classified as a Variant of Uncertain Significance.